The following is an entry in ClinVar:

NM_003036.4(SKI):c.274A>C (p.Met92Leu)

Gene: SKI (SKI proto-oncogene; plus strand). Cytogenetic location: 1p36.33.
Variant type: single nucleotide variant.
Coding change: c.274A>C on transcript NM_003036.4 (MANE Select); coding-DNA position 274, A replaced by C.
Protein change: p.Met92Leu; replaces methionine 92 with leucine.
Molecular consequence: missense variant.
Genome position (GRCh38, 1-based): chr1:2,229,040, A>C. VCF-style: chr1-2229040-A-C. GRCh37 (hg19) VCF-style: chr1-2160479-A-C.
Other names: short protein forms M92L.
Identifiers: ClinVar variation 3442315 (VCV003442315.2).

ClinVar aggregate classification (germline): Uncertain significance (1 of 4 stars; one submission).

Conditions:
Familial thoracic aortic aneurysm and aortic dissection (TAAD). Also called: Thoracic aortic aneurysms and dissections. Identifiers: Orphanet 91387, MedGen C4707243, MONDO:0019625.

gnomAD v4.1: 1 of 1,602,482 alleles (0.000062%); highest among the groups gnomAD compares: Non-Finnish European, 0.000085%; no homozygotes.

Submission:

Ambry Genetics
Classification: Uncertain significance for Familial thoracic aortic aneurysm and aortic dissection. Last evaluated: 2026-01-25. Review status: criteria provided, single submitter. Criteria: Ambry Variant Classification Scheme 2023. Collection method: clinical testing. Allele origin: germline.
Comment: The p.M92L variant (also known as c.274A>C), located in coding exon 1 of the SKI gene, results from an A to C substitution at nucleotide position 274. The methionine at codon 92 is replaced by leucine, an amino acid with highly similar properties. This amino acid position is conserved. In addition, this alteration is predicted to be tolerated by in silico analysis. Based on the available evidence, the clinical significance of this variant remains unclear.